The following is an entry in ClinVar:

NM_018076.5(ODAD2):c.761C>T (p.Pro254Leu)

Gene: ODAD2 (outer dynein arm docking complex subunit 2; minus strand). Cytogenetic location: 10p12.1.
Variant type: single nucleotide variant.
Coding change: c.761C>T on transcript NM_018076.5 (MANE Select); coding-DNA position 761, C replaced by T.
Protein change: p.Pro254Leu; replaces proline 254 with leucine.
Molecular consequence: missense variant.
Genome position (GRCh38, 1-based): chr10:27,983,901, G>A on the plus strand (C>T on the coding strand, the complement: ODAD2 is on the minus strand). VCF-style: chr10-27983901-G-A. GRCh37 (hg19) VCF-style: chr10-28272830-G-A.
Other names: c.761C>T (NM_018076.2); c.761C>T, p.Pro254Leu (NM_001290020.2); short protein forms P254L.
Identifiers: ClinVar variation 2414666 (VCV002414666.5), dbSNP rs868584068, ClinGen allele CA204532593.

ClinVar aggregate classification (germline): Uncertain significance. Review status: criteria provided, multiple submitters, no conflicts (2 of 4 stars). 2 submissions from 2 submitters: Uncertain significance (2). Last evaluated 2024-02-16.

Conditions:
Primary ciliary dyskinesia. Also called: Ciliary dyskinesia. Identifiers: Orphanet 244, MedGen C0008780, MONDO:0016575, HP:0012265.
Primary ciliary dyskinesia 23 (CILD23). Also called: CILIARY DYSKINESIA, PRIMARY, 23, WITH OR WITHOUT SITUS INVERSUS. Identifiers: Orphanet 244, MedGen C3809548, MONDO:0014193, OMIM 615451.

Allele frequency attached by ClinVar (database versions not stated): gnomAD 0.00001; gnomAD exomes 0.00001; TOPMed 0.00002.
gnomAD v4.1: 20 of 1,611,474 alleles (0.0012%); highest among the groups gnomAD compares: Middle Eastern, 0.033%; no homozygotes.

Submissions (2):

Ambry Genetics
Classification: Uncertain significance for Primary ciliary dyskinesia. Last evaluated: 2024-02-16. Review status: criteria provided, single submitter. Criteria: Ambry Variant Classification Scheme 2023. Collection method: clinical testing. Allele origin: germline.
Comment: The p.P254L variant (also known as c.761C>T), located in coding exon 5 of the ARMC4 gene, results from a C to T substitution at nucleotide position 761. The proline at codon 254 is replaced by leucine, an amino acid with similar properties. This amino acid position is conserved. In addition, this alteration is predicted to be tolerated by in silico analysis. Based on the available evidence, the clinical significance of this alteration remains unclear.

Labcorp Genetics (formerly Invitae), Labcorp
Classification: Uncertain significance for Primary ciliary dyskinesia 23. Last evaluated: 2022-05-09. Review status: criteria provided, single submitter. Criteria: Invitae Variant Classification Sherloc (09022015). Collection method: clinical testing. Allele origin: germline.
Comment: This sequence change replaces proline, which is neutral and non-polar, with leucine, which is neutral and non-polar, at codon 254 of the ARMC4 protein (p.Pro254Leu). This variant is present in population databases (no rsID available, gnomAD 0.0009%). This variant has not been reported in the literature in individuals affected with ARMC4-related conditions. Algorithms developed to predict the effect of missense changes on protein structure and function are either unavailable or do not agree on the potential impact of this missense change (SIFT: "Deleterious"; PolyPhen-2: "Possibly Damaging"; Align-GVGD: "Class C0"). In summary, the available evidence is currently insufficient to determine the role of this variant in disease. Therefore, it has been classified as a Variant of Uncertain Significance.